The following is an entry in ClinVar:

ClinVar aggregate classification (germline): Uncertain significance. Review status: criteria provided, multiple submitters, no conflicts (2 of 4 stars). 4 submissions from 4 submitters: Uncertain significance (4). Last evaluated 2026-05-23.

Conditions:
Cardiomyopathy (CMYO). Also called: Cardiomyopathies. Identifiers: Orphanet 167848, MedGen C0878544, MONDO:0004994, HP:0001638. Inheritance: Various modes of inheritance.
Cardiovascular phenotype. Identifiers: MedGen CN230736.
Catecholaminergic polymorphic ventricular tachycardia 1. Also called: RYR2-Related Catecholaminergic Polymorphic Ventricular Tachycardia; VENTRICULAR TACHYCARDIA, STRESS-INDUCED POLYMORPHIC 1; VENTRICULAR TACHYCARDIA, CATECHOLAMINERGIC POLYMORPHIC, 1, WITH OR WITHOUT ATRIAL DYSFUNCTION AND/OR DILATED CARDIOMYOPATHY. Identifiers: Orphanet 3286, MedGen C1631597, MONDO:0011484, OMIM 604772.

Allele frequency attached by ClinVar (database versions not stated): gnomAD exomes below 0.00001.
gnomAD v4.1: 2 of 1,613,850 alleles (0.00012%); highest among the groups gnomAD compares: Non-Finnish European, 0.000085%; no homozygotes.

Submissions (4):

Ambry Genetics
Classification: Uncertain significance for Cardiovascular phenotype. Last evaluated: 2026-05-23. Review status: criteria provided, single submitter. Criteria: Ambry Variant Classification Scheme 2023. Collection method: clinical testing. Allele origin: germline.
Comment: The p.P3232S variant (also known as c.9694C>T), located in coding exon 68 of the RYR2 gene, results from a C to T substitution at nucleotide position 9694. The proline at codon 3232 is replaced by serine, an amino acid with similar properties. This amino acid position is conserved. In addition, this alteration is predicted to be tolerated by in silico analysis. Based on the available evidence, the clinical significance of this variant remains unclear.

Color Diagnostics, LLC DBA Color Health
Classification: Uncertain significance for Cardiomyopathy. Last evaluated: 2024-03-06. Review status: criteria provided, single submitter. Criteria: ACMG Guidelines, 2015. Collection method: clinical testing. Allele origin: germline.
Comment: This missense variant replaces proline with serine at codon 3232 of the RYR2 protein. Computational prediction is inconclusive regarding the impact of this variant on protein structure and function (internally defined REVEL score threshold 0.5 < inconclusive < 0.7, PMID: 27666373). To our knowledge, functional studies have not been reported for this variant. This variant has not been reported in individuals affected with cardiovascular disorders in the literature. This variant has not been identified in the general population by the Genome Aggregation Database (gnomAD). The available evidence is insufficient to determine the role of this variant in disease conclusively. Therefore, this variant is classified as a Variant of Uncertain Significance.

Labcorp Genetics (formerly Invitae), Labcorp
Classification: Uncertain significance for Catecholaminergic polymorphic ventricular tachycardia 1. Last evaluated: 2022-07-19. Review status: criteria provided, single submitter. Criteria: Invitae Variant Classification Sherloc (09022015). Collection method: clinical testing. Allele origin: germline.
Comment: In summary, the available evidence is currently insufficient to determine the role of this variant in disease. Therefore, it has been classified as a Variant of Uncertain Significance. Algorithms developed to predict the effect of missense changes on protein structure and function (SIFT, PolyPhen-2, Align-GVGD) all suggest that this variant is likely to be disruptive. ClinVar contains an entry for this variant (Variation ID: 842265). This variant has not been reported in the literature in individuals affected with RYR2-related conditions. This variant is not present in population databases (gnomAD no frequency). This sequence change replaces proline, which is neutral and non-polar, with serine, which is neutral and polar, at codon 3232 of the RYR2 protein (p.Pro3232Ser).

GeneDx
Classification: Uncertain significance. Last evaluated: 2019-04-30. Review status: criteria provided, single submitter. Criteria: GeneDx Variant Classification Process June 2021. Collection method: clinical testing. Allele origin: germline. Affected: yes.
Comment: Has not been previously published as pathogenic or benign to our knowledge; Not observed in large population cohorts (Lek et al., 2016); In silico analysis, which includes protein predictors and evolutionary conservation, supports a deleterious effect; Is not located in one of the three hot-spot regions of the RYR2 gene, where the majority of pathogenic missense variants occur (Medeiros-Domingo et al., 2009)

NM_001035.3(RYR2):c.9694C>T (p.Pro3232Ser)

Gene: RYR2 (ryanodine receptor 2; plus strand). Cytogenetic location: 1q43.
Variant type: single nucleotide variant.
Coding change: c.9694C>T on transcript NM_001035.3 (MANE Select); coding-DNA position 9694, C replaced by T.
Protein change: p.Pro3232Ser; replaces proline 3232 with serine.
Molecular consequence: missense variant.
Genome position (GRCh38, 1-based): chr1:237,707,062, C>T. VCF-style: chr1-237707062-C-T. GRCh37 (hg19) VCF-style: chr1-237870362-C-T.
Other names: short protein forms P3232S.
Identifiers: ClinVar variation 842265 (VCV000842265.16), dbSNP rs1688442582, ClinGen allele CA345408583.
Genomic context (GRCh38, chr1:237,707,062, plus strand): 5'-GAGAAACTCATGGAAGAAATCGTGGAATTAGCCGAGTCCGGCATTCGCTACACTCAAATG[C>T]CACATGTCATGGAAGTCATACTGCCCATGCTTTGCAGCTACATGTCTCGTTGGTGGGAGC-3'
Protein context (NP_001026.2, residues 3222-3242): AESGIRYTQM[Pro3232Ser]HVMEVILPML